The following is an entry in ClinVar:

ClinVar aggregate classification (germline): Uncertain significance (1 of 4 stars; one submission).

Conditions:
Early-infantile DEE. Also called: Ohtahara syndrome; Early infantile epileptic encephalopathy; Early infantile epileptic encephalopathy with suppression bursts. Identifiers: Orphanet 1934, MedGen C0393706, MONDO:0800491.

Submission:

Labcorp Genetics (formerly Invitae), Labcorp
Classification: Uncertain significance for Early-infantile DEE. Last evaluated: 2025-06-22. Review status: criteria provided, single submitter. Criteria: Invitae Variant Classification Sherloc (09022015). Collection method: clinical testing. Allele origin: germline.
Comment: This sequence change replaces alanine, which is neutral and non-polar, with valine, which is neutral and non-polar, at codon 34 of the HCN1 protein (p.Ala34Val). This variant is not present in population databases (gnomAD no frequency). This variant has not been reported in the literature in individuals affected with HCN1-related conditions. ClinVar contains an entry for this variant (Variation ID: 1525055). Invitae Evidence Modeling of protein sequence and biophysical properties (such as structural, functional, and spatial information, amino acid conservation, physicochemical variation, residue mobility, and thermodynamic stability) indicates that this missense variant is not expected to disrupt HCN1 protein function with a negative predictive value of 95%. In summary, the available evidence is currently insufficient to determine the role of this variant in disease. Therefore, it has been classified as a Variant of Uncertain Significance.

NM_021072.4(HCN1):c.101C>T (p.Ala34Val)

Gene: HCN1 (hyperpolarization activated cyclic nucleotide gated potassium channel 1; minus strand). Cytogenetic location: 5p12.
Variant type: single nucleotide variant.
Coding change: c.101C>T on transcript NM_021072.4 (MANE Select); coding-DNA position 101, C replaced by T.
Protein change: p.Ala34Val; replaces alanine 34 with valine.
Molecular consequence: missense variant.
Genome position (GRCh38, 1-based): chr5:45,695,993, G>A on the plus strand (C>T on the coding strand, the complement: HCN1 is on the minus strand). VCF-style: chr5-45695993-G-A. GRCh37 (hg19) VCF-style: chr5-45696095-G-A.
Other names: short protein forms A34V.
Identifiers: ClinVar variation 1525055 (VCV001525055.7), dbSNP rs1740005052, ClinGen allele CA359706744.